The following is an entry in ClinVar:

NM_007294.4(BRCA1):c.2684A>G (p.Gln895Arg)

Gene: BRCA1 (BRCA1 DNA repair associated; minus strand). Cytogenetic location: 17q21.31.
Variant type: single nucleotide variant.
Coding change: c.2684A>G on transcript NM_007294.4 (MANE Select); coding-DNA position 2684, A replaced by G.
Protein change: p.Gln895Arg; replaces glutamine 895 with arginine.
Molecular consequence: missense variant. On other transcripts: intron variant (137).
Genome position (GRCh38, 1-based): chr17:43,092,847, T>C on the plus strand (A>G on the coding strand, the complement: BRCA1 is on the minus strand). VCF-style: chr17-43092847-T-C. GRCh37 (hg19) VCF-style: chr17-41244864-T-C.
Other names: c.2420A>G, p.Gln807Arg (NM_001407926.1, NM_001407927.1, NM_001407928.1 and 9 more transcripts); c.2417A>G, p.Gln806Arg (NM_001407930.1, NM_001407931.1, NM_001407932.1 and 2 more transcripts); c.2561A>G, p.Gln854Arg (NM_001407937.1, NM_001407938.1, NM_001407939.1 and 19 more transcripts); c.2558A>G, p.Gln853Arg (NM_001407940.1, NM_001407941.1, NM_001407649.1 and 11 more transcripts); c.2543A>G, p.Gln848Arg (NM_001407942.1, NM_001407944.1, NM_001407945.1 and 29 more transcripts); c.2540A>G, p.Gln847Arg (NM_001407943.1, NM_001407964.1, NM_001407740.1 and 20 more transcripts); c.2351A>G, p.Gln784Arg (NM_001407946.1, NM_001407947.1, NM_001407948.1 and 6 more transcripts); c.2348A>G, p.Gln783Arg (NM_001407954.1, NM_001407955.1, NM_001407956.1 and 1 more transcripts); and 41 more; short protein forms Q895R, Q848R, Q827R, Q853R, Q869R, Q894R, Q783R, Q807R.
Identifiers: ClinVar variation 141656 (VCV000141656.12), dbSNP rs587781914, ClinGen allele CA001765.
Genomic context (GRCh38, chr17:43,092,847, plus strand): 5'-GACTCATTCTTTCCTTGATTTTCTTCCTTTTGTTCACATTCAAAAGTGACTTTTGGACTT[T>C]GTTTCTTTAAGGACCCAGAGTGGGCAGAGAATGTTGCACATTCCTCTTCTGCATTTCCTG-3'
Protein context (NP_009225.1, residues 885-905): FSAHSGSLKK[Gln895Arg]SPKVTFECEQ

ClinVar aggregate classification (germline): Conflicting classifications of pathogenicity. Review status: criteria provided, conflicting classifications (1 of 4 stars). 3 submissions from 3 submitters: Uncertain significance (2); Likely benign (1). Last evaluated 2023-03-23.

Conditions:
Hereditary cancer-predisposing syndrome. Also called: Neoplastic Syndromes, Hereditary; Tumor predisposition; Hereditary Cancer Syndrome; Hereditary neoplastic syndrome. Identifiers: Orphanet 140162, MedGen C0027672, MeSH D009386, MONDO:0015356.
Hereditary breast ovarian cancer syndrome. Also called: Breast and ovarian cancer; Hereditary breast and ovarian cancer; Hereditary breast and/or ovarian cancer syndrome; BRCA1- and BRCA2-Associated Hereditary Breast and Ovarian Cancer; Hereditary breast and ovarian cancer syndrome; Hereditary breast and ovarian cancer syndrome (HBOC). Identifiers: Orphanet 145, MedGen C0677776, MeSH D061325, MONDO:0003582. Disease mechanism: loss of function.

Submissions (3):

University of Washington Department of Laboratory Medicine, University of Washington
Classification: Likely benign for Hereditary cancer-predisposing syndrome. Last evaluated: 2023-03-23. Review status: criteria provided, single submitter. Criteria: Dines et al. (Genet Med. 2020). Collection method: curation. Allele origin: germline.
Comment: Missense variant in a coldspot region where missense variants are very unlikely to be pathogenic (PMID:31911673).

BRCA1 coldspot (exon 11 using historical exon numbering). Reclassification based on statistical prior probability

Labcorp Genetics (formerly Invitae), Labcorp
Classification: Uncertain significance for Hereditary breast ovarian cancer syndrome. Last evaluated: 2022-12-17. Review status: criteria provided, single submitter. Criteria: Invitae Variant Classification Sherloc (09022015). Collection method: clinical testing. Allele origin: germline.
Comment: In summary, the available evidence is currently insufficient to determine the role of this variant in disease. Therefore, it has been classified as a Variant of Uncertain Significance. Advanced modeling of protein sequence and biophysical properties (such as structural, functional, and spatial information, amino acid conservation, physicochemical variation, residue mobility, and thermodynamic stability) performed at Invitae indicates that this missense variant is not expected to disrupt BRCA1 protein function. ClinVar contains an entry for this variant (Variation ID: 141656). This variant has not been reported in the literature in individuals affected with BRCA1-related conditions. This variant is not present in population databases (gnomAD no frequency). This sequence change replaces glutamine, which is neutral and polar, with arginine, which is basic and polar, at codon 895 of the BRCA1 protein (p.Gln895Arg).

Ambry Genetics
Classification: Uncertain significance for Hereditary cancer-predisposing syndrome. Last evaluated: 2014-01-28. Review status: criteria provided, single submitter. Criteria: Ambry Autosomal Dominant and X-Linked criteria (10/2015). Collection method: clinical testing. Allele origin: germline. Observed: 1 variant allele.
Comment: The p.Q895R variant (also known as c.2684A>G or2803A>G), located in coding exon 9 of the BRCA1 gene, results from an A to G substitution at nucleotide position 2684. The glutamine at codon 895 is replaced by arginine, an amino acid with some similar properties. This variant was not reported in population based cohorts in the following databases: Database of Single Nucleotide Polymorphisms (dbSNP), NHLBI Exome Sequencing Project (ESP), and 1000 Genomes Project. This amino acid position is not well conserved in available vertebrate species. In addition, this alteration is predicted to be tolerated by in silico analysis.Since supporting evidence is limited at this time, the clinical significance of p.Q895R remains unclear.